The following is an entry in ClinVar:

ClinVar aggregate classification (germline): Likely benign. Review status: criteria provided, multiple submitters, no conflicts (2 of 4 stars). 2 submissions from 2 submitters: Likely benign (2). Last evaluated 2025-07-01.

Submissions (2):

CeGaT Center for Human Genetics Tuebingen
Classification: Likely benign. Last evaluated: 2025-07-01. Review status: criteria provided, single submitter. Criteria: CeGaT Center For Human Genetics Tuebingen Variant Classification Criteria Version 2. Collection method: clinical testing. Allele origin: germline. Affected: yes. Observed: 1 variant allele.
Comment: ZFHX3: BS1

Blueprint Genetics
Classification: Likely benign. Last evaluated: 2024-09-02. Review status: criteria provided, single submitter. Criteria: ACMG Guidelines, 2015. Collection method: clinical testing. Allele origin: germline.

NM_006885.4(ZFHX3):c.10518CGG[6] (p.Gly3512_Ser3513insGly)

Genes: ZFHX3 (zinc finger homeobox 3; minus strand), ZFHX3-AS1 (ZFHX3 antisense RNA 1; plus strand). Cytogenetic location: 16q22.2.
Variant type: Microsatellite.
Coding change: c.10518CGG[6] on transcript NM_006885.4 (MANE Select); six copies in a row of the 3-base unit CGG starting at c.10518; the reference has five copies in a row; one copy, 3 bases duplicated.
Protein change: p.Gly3512_Ser3513insGly.
Genome position (GRCh38, 1-based): chr16:72,787,744-72,787,746, CCG duplicated on the plus strand (CGG on the coding strand, the reverse complement: ZFHX3 is on the minus strand); duplicating any 3 consecutive bases within chr16:72,787,744-72,787,758 gives the same sequence; the position shown is the placement nearest the transcript's 3' end. VCF-style (leftmost placement, unchanged base first): chr16-72787743-A-ACCG. GRCh37 (hg19) VCF-style: chr16-72821642-A-ACCG.
Other names: c.7776CGG[6], p.Gly2598_Ser2599insGly (NM_001164766.2); c.10518CGG[6], p.Gly3512_Ser3513insGly (NM_001386735.1).
Identifiers: ClinVar variation 4083811 (VCV004083811.9).
Genomic context (GRCh38, chr16:72,787,743, plus strand): 5'-GCAGTGGTACGAGCCGCCGCCGCCGCCGCCGCCGCCACCGCCGCCGCCGCCGCCACTGCC[A>ACCG]CCGCCGCCGCCGCCGGTGGGGACGTGAAGCACCATCTCTTGCAGGTTCACCACAGACTGG-3'